The following is an entry in ClinVar:

NM_020163.3(SEMA3G):c.2257A>G (p.Lys753Glu)

Gene: SEMA3G (semaphorin 3G; minus strand). Cytogenetic location: 3p21.1.
Variant type: single nucleotide variant.
Coding change: c.2257A>G on transcript NM_020163.3 (MANE Select); coding-DNA position 2257, A replaced by G.
Protein change: p.Lys753Glu; replaces lysine 753 with glutamic acid.
Molecular consequence: missense variant.
Genome position (GRCh38, 1-based): chr3:52,435,695, T>C on the plus strand (A>G on the coding strand, the complement: SEMA3G is on the minus strand). VCF-style: chr3-52435695-T-C. GRCh37 (hg19) VCF-style: chr3-52469711-T-C.
Other names: short protein forms K753E.
Identifiers: ClinVar variation 4991463 (VCV004991463.1).

ClinVar aggregate classification (germline): Uncertain significance (1 of 4 stars; one submission).

Conditions:
SEMA3G-related disorder. Also called: SEMA3G-related condition.

Submission:

PreventionGenetics, part of Exact Sciences
Classification: Uncertain significance for SEMA3G-related condition. Last evaluated: 2026-03-09. Review status: criteria provided, single submitter. Criteria: ACMG Guidelines, 2015. Collection method: clinical testing. Allele origin: germline.
Comment: The SEMA3G c.2257A>G variant is predicted to result in the amino acid substitution p.Lys753Glu. To our knowledge, this variant has not been reported in the literature or in a large population database (gnomAD), indicating this variant is rare. At this time, the clinical significance of this variant is uncertain due to the absence of conclusive functional and genetic evidence.